The following is an entry in ClinVar:

ClinVar aggregate classification (germline): Likely benign (1 of 4 stars; one submission).

Submission:

CeGaT Center for Human Genetics Tuebingen
Classification: Likely benign. Last evaluated: 2022-05-01. Review status: criteria provided, single submitter. Criteria: CeGaT Center For Human Genetics Tuebingen Variant Classification Criteria Version 2. Collection method: clinical testing. Allele origin: germline. Affected: yes. Observed: 1 variant allele.
Comment: MUC16: BP4, BP7

NM_001401501.2(MUC16):c.2286C>G (p.Thr762=)

Gene: MUC16 (mucin 16, cell surface associated; minus strand). Cytogenetic location: 19p13.2.
Variant type: single nucleotide variant.
Coding change: c.2286C>G on transcript NM_001401501.2 (MANE Select); coding-DNA position 2286, C replaced by G.
Protein change: p.Thr762=; no amino-acid change (threonine 762 retained).
Molecular consequence: synonymous variant.
Genome position (GRCh38, 1-based): chr19:8,978,973, G>C on the plus strand (C>G on the coding strand, the complement: MUC16 is on the minus strand). VCF-style: chr19-8978973-G-C. GRCh37 (hg19) VCF-style: chr19-9089649-G-C.
Other names: c.2712C>G, p.Thr904= (NM_001414686.1); c.2166C>G, p.Thr722= (NM_001414687.1, NM_024690.2).
Identifiers: ClinVar variation 2649270 (VCV002649270.24), dbSNP rs1404938868, ClinGen allele CA505431344.